The following is an entry in ClinVar:

NM_004655.4(AXIN2):c.265C>G (p.Gln89Glu)

Gene: AXIN2 (axin 2; minus strand). Cytogenetic location: 17q24.1.
Variant type: single nucleotide variant.
Coding change: c.265C>G on transcript NM_004655.4 (MANE Select); coding-DNA position 265, C replaced by G.
Protein change: p.Gln89Glu; replaces glutamine 89 with glutamic acid.
Molecular consequence: missense variant.
Genome position (GRCh38, 1-based): chr17:65,558,356, G>C on the plus strand (C>G on the coding strand, the complement: AXIN2 is on the minus strand). VCF-style: chr17-65558356-G-C. GRCh37 (hg19) VCF-style: chr17-63554474-G-C.
Other names: c.265C>G, p.Gln89Glu (NM_001363813.1); short protein forms Q89E.
Identifiers: ClinVar variation 2080676 (VCV002080676.4), dbSNP rs1250947526, ClinGen allele CA400681783.

ClinVar aggregate classification (germline): Uncertain significance. Review status: criteria provided, multiple submitters, no conflicts (2 of 4 stars). 2 submissions from 2 submitters: Uncertain significance (2). Last evaluated 2026-07-06.

Conditions:
Hereditary cancer-predisposing syndrome. Also called: Tumor predisposition; Hereditary Cancer Syndrome; Hereditary neoplastic syndrome; Neoplastic Syndromes, Hereditary. Identifiers: Orphanet 140162, MedGen C0027672, MeSH D009386, MONDO:0015356.
Oligodontia-cancer predisposition syndrome. Also called: TOOTH AGENESIS-COLORECTAL CANCER SYNDROME. Identifiers: Orphanet 300576, MedGen C1837750, MONDO:0012075, OMIM 608615. Disease mechanism: loss of function.

Allele frequency attached by ClinVar (database versions not stated): gnomAD exomes below 0.00001.
gnomAD v4.1: 1 of 1,614,058 alleles (0.000062%); highest among the groups gnomAD compares: Non-Finnish European, 0.000085%; no homozygotes.

Submissions (2):

Ambry Genetics
Classification: Uncertain significance for Hereditary cancer-predisposing syndrome. Last evaluated: 2026-07-06. Review status: criteria provided, single submitter. Criteria: Ambry Variant Classification Scheme 2023. Collection method: clinical testing. Allele origin: germline.
Comment: The p.Q89E variant (also known as c.265C>G), located in coding exon 1 of the AXIN2 gene, results from a C to G substitution at nucleotide position 265. The glutamine at codon 89 is replaced by glutamic acid, an amino acid with highly similar properties. This amino acid position is conserved. In addition, this alteration is predicted to be tolerated by in silico analysis. Based on the available evidence, the clinical significance of this variant remains unclear.

Labcorp Genetics (formerly Invitae), Labcorp
Classification: Uncertain significance for Oligodontia-cancer predisposition syndrome. Last evaluated: 2025-03-28. Review status: criteria provided, single submitter. Criteria: Invitae Variant Classification Sherloc (09022015). Collection method: clinical testing. Allele origin: germline.
Comment: This sequence change replaces glutamine, which is neutral and polar, with glutamic acid, which is acidic and polar, at codon 89 of the AXIN2 protein (p.Gln89Glu). This variant is not present in population databases (gnomAD no frequency). This variant has not been reported in the literature in individuals affected with AXIN2-related conditions. ClinVar contains an entry for this variant (Variation ID: 2080676). Invitae Evidence Modeling of protein sequence and biophysical properties (such as structural, functional, and spatial information, amino acid conservation, physicochemical variation, residue mobility, and thermodynamic stability) indicates that this missense variant is not expected to disrupt AXIN2 protein function with a negative predictive value of 80%. In summary, the available evidence is currently insufficient to determine the role of this variant in disease. Therefore, it has been classified as a Variant of Uncertain Significance.